The following is an entry in ClinVar:

ClinVar aggregate classification (germline): Uncertain significance (1 of 4 stars; one submission).

Conditions:
Inborn genetic diseases. Identifiers: MedGen C0950123, MeSH D030342.

gnomAD v4.1: 1 of 1,614,168 alleles (0.000062%); highest among the groups gnomAD compares: African/African-American, 0.0013%; no homozygotes.

Submission:

Ambry Genetics
Classification: Uncertain significance for Inborn genetic diseases. Last evaluated: 2025-02-15. Review status: criteria provided, single submitter. Criteria: Ambry Variant Classification Scheme 2023. Collection method: clinical testing. Allele origin: germline.
Comment: The p.R50K variant (also known as c.149G>A), located in coding exon 2 of the HAX1 gene, results from a G to A substitution at nucleotide position 149. The arginine at codon 50 is replaced by lysine, an amino acid with highly similar properties. This amino acid position is conserved. In addition, this alteration is predicted to be tolerated by in silico analysis. Based on the available evidence, the clinical significance of this variant remains unclear.

NM_006118.4(HAX1):c.149G>A (p.Arg50Lys)

Gene: HAX1 (HCLS1 associated protein X-1; plus strand). Cytogenetic location: 1q21.3.
Variant type: single nucleotide variant.
Coding change: c.149G>A on transcript NM_006118.4 (MANE Select); coding-DNA position 149, G replaced by A.
Protein change: p.Arg50Lys; replaces arginine 50 with lysine.
Molecular consequence: missense variant. On other transcripts: intron variant (1).
Genome position (GRCh38, 1-based): chr1:154,273,431, G>A. VCF-style: chr1-154273431-G-A. GRCh37 (hg19) VCF-style: chr1-154245907-G-A.
Other names: c.54-49G>A (NM_001018837.2); short protein forms R50K.
Identifiers: ClinVar variation 3856890 (VCV003856890.1).